The following is an entry in ClinVar:

NM_000342.4(SLC4A1):c.1258G>A (p.Ala420Thr)

Gene: SLC4A1 (solute carrier family 4 member 1 (Diego blood group); minus strand). Cytogenetic location: 17q21.31.
Variant type: single nucleotide variant.
Coding change: c.1258G>A on transcript NM_000342.4 (MANE Select); coding-DNA position 1258, G replaced by A.
Protein change: p.Ala420Thr; replaces alanine 420 with threonine.
Molecular consequence: missense variant.
Genome position (GRCh38, 1-based): chr17:44,258,010, C>T on the plus strand (G>A on the coding strand, the complement: SLC4A1 is on the minus strand). VCF-style: chr17-44258010-C-T. GRCh37 (hg19) VCF-style: chr17-42335378-C-T.
Other names: p.Ala420Thr; short protein forms A420T.
Identifiers: ClinVar variation 891954 (VCV000891954.16), dbSNP rs142905862, ClinGen allele CA8600338.

ClinVar aggregate classification (germline): Conflicting classifications of pathogenicity. Review status: criteria provided, conflicting classifications (1 of 4 stars). 8 submissions from 6 submitters: Uncertain significance (5); Likely benign (2). 1 of the submissions does not count toward it. Last evaluated 2026-01-05.

Conditions:
SLC4A1-related disorder. Also called: SLC4A1-related disorders; SLC4A1-related condition.
Southeast Asian ovalocytosis. Also called: HE, STOMATOCYTIC; Stomatocytic elliptocytosis, hereditary; Ovalocytosis, Malaysian-Melanesian-Filipino type; Elliptocytosis 4. Identifiers: Orphanet 98868, MedGen C1862322, MONDO:0008165, OMIM 166900.
BLOOD GROUP, WALDNER (WD). Also called: WALDNER BLOOD GROUP ANTIGEN. Identifiers: MedGen C1862191, OMIM 112010.
BLOOD GROUP--FROESE (FR). Also called: FROESE BLOOD GROUP ANTIGEN. Identifiers: MedGen C1832168, OMIM 601551.
BLOOD GROUP--WRIGHT ANTIGEN (WR). Identifiers: MedGen C1862190, OMIM 112050.
Cryohydrocytosis. Also called: Hereditary cryohydrocytosis with normal stomatin; STOMATOCYTOSIS, COLD-SENSITIVE; CRYOHYDROCYTOSIS DUE TO BAND 3 HEMEL; CRYOHYDROCYTOSIS DUE TO BAND 3 HURSTPIERPOINT; CRYOHYDROCYTOSIS DUE TO BAND 3 BLACKBURN. Identifiers: Orphanet 398088, MedGen C1861453, MONDO:0008494, OMIM 185020.
Hereditary spherocytosis type 4. Also called: SLC4A1-Related Spherocytosis. Identifiers: Orphanet 822, MedGen C2675212, MONDO:0012981, OMIM 612653.
BLOOD GROUP--SWANN SYSTEM (SW). Also called: SWANN BLOOD GROUP. Identifiers: MedGen C1832169, OMIM 601550.
BLOOD GROUP--DIEGO SYSTEM (DI). Identifiers: MedGen C1292286, OMIM 110500.
Autosomal dominant distal renal tubular acidosis (DRTA1). Also called: RTA, CLASSIC TYPE; RTA, DISTAL TYPE, AUTOSOMAL DOMINANT; RTA, GRADIENT TYPE; Renal Tubular Acidosis, Type I; RENAL TUBULAR ACIDOSIS, DISTAL, 1. Identifiers: Orphanet 93608, MedGen CN280572, MONDO:0008368, OMIM 179800.
Renal tubular acidosis, distal, 4, with hemolytic anemia. Also called: Renal Tubular Acidosis, Distal, with Hemolytic Anemia. Identifiers: Orphanet 93610, MedGen C5436235, MONDO:0012700, OMIM 611590.
Malaria, susceptibility to. Identifiers: Orphanet 673, MedGen C1970028, MONDO:0021024, OMIM 611162.
Hemolytic anemia. Identifiers: MedGen C0002878, MONDO:0003664, HP:0001878.

Allele frequency attached by ClinVar (database versions not stated): gnomAD exomes 0.00015 and 0.00026; TOPMed 0.00017; ExAC 0.00032; 1000 Genomes Project 0.00060; gnomAD 0.00015 and 0.00020; 1000 Genomes Project 30x 0.00047; ESP Exome Variant Server 0.00008.
gnomAD v4.1: 245 of 1,614,046 alleles (0.015%); highest among the groups gnomAD compares: South Asian, 0.15%; 2 homozygotes.

Submissions (8):

Labcorp Genetics (formerly Invitae), Labcorp
Classification: Likely benign. Last evaluated: 2026-01-05. Review status: criteria provided, single submitter. Criteria: Invitae Variant Classification Sherloc (09022015). Collection method: clinical testing. Allele origin: germline.

Mayo Clinic Laboratories, Mayo Clinic
Classification: Uncertain significance. Last evaluated: 2025-05-01. Review status: criteria provided, single submitter. Criteria: ACMG Guidelines, 2015. Collection method: clinical testing. Allele origin: germline. Observed: 3 variant alleles.
Comment: PP3

Fulgent Genetics
Classification: Likely benign for BLOOD GROUP--DIEGO SYSTEM; BLOOD GROUP, WALDNER; BLOOD GROUP--WRIGHT ANTIGEN; Southeast Asian ovalocytosis; Autosomal dominant distal renal tubular acidosis; Cryohydrocytosis; BLOOD GROUP--SWANN SYSTEM; BLOOD GROUP--FROESE; Malaria, susceptibility to; Renal tubular acidosis, distal, 4, with hemolytic anemia; Hereditary spherocytosis type 4. Last evaluated: 2024-05-17. Review status: criteria provided, single submitter. Criteria: ACMG Guidelines, 2015. Collection method: clinical testing. Allele origin: germline.

Revvity Omics, Revvity
Classification: Uncertain significance. Last evaluated: 2023-05-29. Review status: criteria provided, single submitter. Criteria: ACMG Guidelines, 2015. Collection method: clinical testing. Allele origin: germline.

Illumina Laboratory Services, Illumina
Classification: Uncertain significance for Hereditary spherocytosis type 4. Last evaluated: 2017-04-27. Review status: criteria provided, single submitter. Criteria: ICSL Variant Classification Criteria 13 December 2019. Collection method: clinical testing. Allele origin: germline.

Illumina Laboratory Services, Illumina
Classification: Uncertain significance for Hemolytic anemia. Last evaluated: 2017-04-27. Review status: criteria provided, single submitter. Criteria: ICSL Variant Classification Criteria 13 December 2019. Collection method: clinical testing. Allele origin: germline.

Illumina Laboratory Services, Illumina
Classification: Uncertain significance for Autosomal dominant distal renal tubular acidosis. Last evaluated: 2017-04-27. Review status: criteria provided, single submitter. Criteria: ICSL Variant Classification Criteria 13 December 2019. Collection method: clinical testing. Allele origin: germline.

PreventionGenetics, part of Exact Sciences
Classification: Uncertain significance for SLC4A1-related condition. Last evaluated: 2024-09-12. Review status: no assertion criteria provided. Collection method: clinical testing. Allele origin: germline. Not counted in ClinVar's aggregate classification.
Comment: The SLC4A1 c.1258G>A variant is predicted to result in the amino acid substitution p.Ala420Thr. To our knowledge, this variant has not been reported in the literature. This variant is reported in 0.13% of alleles in individuals of South Asian descent in gnomAD. Although we suspect that this variant may be benign, at this time, the clinical significance of this variant is uncertain due to the absence of conclusive functional and genetic evidence.